The following is an entry in ClinVar:

ClinVar aggregate classification (germline): Likely pathogenic (1 of 4 stars; one submission).

Conditions:
Primary ciliary dyskinesia. Also called: Ciliary dyskinesia. Identifiers: Orphanet 244, MedGen C0008780, MONDO:0016575, HP:0012265.

Submission:

Natera, Inc.
Classification: Likely pathogenic for Primary ciliary dyskinesia. Last evaluated: 2024-06-30. Review status: criteria provided, single submitter. Criteria: Natera Variant Classification Schema (03/2026). Collection method: clinical testing. Allele origin: germline.
Comment: The c.8448+2T>C variant in DNAH5 is a canonical splice donor site variant predicted to affect pre-mRNA splicing, which may result in an abnormal transcript and altered protein product. This variant is expected to result in nonsense mediated decay, truncation, or a dysfunctional protein product. This variant is rare in the general population with a frequency below the threshold expected for the associated phenotype(s). Given the available evidence, this variant is classified as Likely Pathogenic.

NM_001369.3(DNAH5):c.8448+2T>C

Gene: DNAH5 (dynein axonemal heavy chain 5; minus strand). Cytogenetic location: 5p15.2.
Variant type: single nucleotide variant.
Coding change: c.8448+2T>C on transcript NM_001369.3 (MANE Select); the canonical splice donor site of the intron after coding-DNA position 8448, T replaced by C.
Molecular consequence: splice donor variant.
Genome position (GRCh38, 1-based): chr5:13,791,992, A>G on the plus strand (T>C on the coding strand, the complement: DNAH5 is on the minus strand). VCF-style: chr5-13791992-A-G. GRCh37 (hg19) VCF-style: chr5-13792101-A-G.
Identifiers: ClinVar variation 4814915 (VCV004814915.1).
Genomic context (GRCh38, chr5:13,791,992, plus strand): 5'-AATATTTAGAATATATCATTAATAGCAATGTTATTTGTTTTTCTTTCTTCAGTGTCACTT[A>G]CATTTGGTTCCTTGATGACCTCTGAAGTAGTGTTCAGCATTCCCTGCCAGACCCGAGAAA-3'